The following is an entry in ClinVar:

NM_170606.3(KMT2C):c.9560C>G (p.Thr3187Ser)

Gene: KMT2C (lysine methyltransferase 2C; minus strand). Cytogenetic location: 7q36.1.
Variant type: single nucleotide variant.
Coding change: c.9560C>G on transcript NM_170606.3 (MANE Select); coding-DNA position 9560, C replaced by G.
Protein change: p.Thr3187Ser; replaces threonine 3187 with serine.
Molecular consequence: missense variant.
Genome position (GRCh38, 1-based): chr7:152,167,336, G>C on the plus strand (C>G on the coding strand, the complement: KMT2C is on the minus strand). VCF-style: chr7-152167336-G-C. GRCh37 (hg19) VCF-style: chr7-151864421-G-C.
Other names: short protein forms T3187S.
Identifiers: ClinVar variation 1710017 (VCV001710017.2), dbSNP rs1179763290, ClinGen allele CA370106905.

ClinVar aggregate classification (germline): Uncertain significance (1 of 4 stars; one submission).

Conditions:
Developmental and epileptic encephalopathy 92. Also called: EPILEPTIC ENCEPHALOPATHY, INFANTILE OR EARLY CHILDHOOD, 2. Identifiers: MedGen C4693362, MONDO:0020631, OMIM 617829.

Allele frequency attached by ClinVar (database versions not stated): gnomAD exomes below 0.00001; TOPMed below 0.00001.
gnomAD v4.1: 1 of 1,613,752 alleles (0.000062%); highest among the groups gnomAD compares: Non-Finnish European, 0.000085%; no homozygotes.

Submission:

MGZ Medical Genetics Center
Classification: Uncertain significance for Developmental and epileptic encephalopathy 92. Last evaluated: 2022-02-24. Review status: criteria provided, single submitter. Criteria: ACMG Guidelines, 2015. Collection method: clinical testing. Allele origin: germline. Affected: yes. Observed: 1 variant allele.
Comment: ACMG criteria applied: PM2_SUP, PP3